The following is an entry in ClinVar:

NM_001163435.3(TBCK):c.2476G>A (p.Gly826Arg)

Gene: TBCK (TBC1 domain containing kinase; minus strand). Cytogenetic location: 4q24.
Variant type: single nucleotide variant.
Coding change: c.2476G>A on transcript NM_001163435.3 (MANE Select); coding-DNA position 2476, G replaced by A.
Protein change: p.Gly826Arg; replaces glycine 826 with arginine.
Molecular consequence: missense variant.
Genome position (GRCh38, 1-based): chr4:106,095,577, C>T on the plus strand (G>A on the coding strand, the complement: TBCK is on the minus strand). VCF-style: chr4-106095577-C-T. GRCh37 (hg19) VCF-style: chr4-107016734-C-T.
Other names: c.2476G>A, p.Gly826Arg (NM_001163436.4); c.2359G>A, p.Gly787Arg (NM_001163437.3); c.1960G>A, p.Gly654Arg (NM_001290768.2); c.2287G>A, p.Gly763Arg (NM_033115.5); short protein forms G763R, G654R, G826R, G787R.
Identifiers: ClinVar variation 1418707 (VCV001418707.5), dbSNP rs1740803693, ClinGen allele CA357970752.

ClinVar aggregate classification (germline): Uncertain significance (1 of 4 stars; one submission).

Allele frequency attached by ClinVar (database versions not stated): TOPMed below 0.00001; gnomAD 0.00001; gnomAD exomes 0.00001.
gnomAD v4.1: 4 of 1,613,968 alleles (0.00025%); highest among the groups gnomAD compares: African/African-American, 0.0013%; no homozygotes.

Submission:

Labcorp Genetics (formerly Invitae), Labcorp
Classification: Uncertain significance. Last evaluated: 2022-05-06. Review status: criteria provided, single submitter. Criteria: Invitae Variant Classification Sherloc (09022015). Collection method: clinical testing. Allele origin: germline.
Comment: This sequence change replaces glycine, which is neutral and non-polar, with arginine, which is basic and polar, at codon 826 of the TBCK protein (p.Gly826Arg). This variant is not present in population databases (gnomAD no frequency). This variant has not been reported in the literature in individuals affected with TBCK-related conditions. Algorithms developed to predict the effect of missense changes on protein structure and function (SIFT, PolyPhen-2, Align-GVGD) all suggest that this variant is likely to be tolerated. In summary, the available evidence is currently insufficient to determine the role of this variant in disease. Therefore, it has been classified as a Variant of Uncertain Significance.